The following is an entry in ClinVar:

ClinVar aggregate classification (germline): Benign. Review status: criteria provided, multiple submitters, no conflicts (2 of 4 stars). 7 submissions from 5 submitters: Benign (7). Last evaluated 2023-11-11.

Conditions:
Autoinflammatory syndrome. Identifiers: Orphanet 93665, MedGen C3890737, MONDO:0019751.
Familial amyloid nephropathy with urticaria AND deafness (MWS). Also called: UDA SYNDROME; URTICARIA-DEAFNESS-AMYLOIDOSIS SYNDROME; MUCKLE-WELLS SYNDROME; Urticaria, deafness and amyloidosis; CRYOPYRIN-ASSOCIATED PERIODIC SYNDROME 2. Identifiers: Orphanet 575, MedGen C0268390, MONDO:0008633, OMIM 191900.
Familial cold autoinflammatory syndrome 1 (FCAS1). Also called: CRYOPYRIN-ASSOCIATED PERIODIC SYNDROME 1; Familial cold inflammatory syndrome 1. Identifiers: Orphanet 47045, MedGen C4551895, MONDO:0007349, OMIM 120100.
Chronic infantile neurological, cutaneous and articular syndrome (CINCA). Also called: CHRONIC NEUROLOGIC CUTANEOUS AND ARTICULAR SYNDROME; CINCA syndrome; Prieur Griscelli syndrome; CRYOPYRIN-ASSOCIATED PERIODIC SYNDROME 3. Identifiers: Orphanet 1451, MedGen C0409818, MONDO:0011776, OMIM 607115.

Allele frequency attached by ClinVar (database versions not stated): 1000 Genomes Project 0.02696; 1000 Genomes Project 30x 0.02858; TOPMed 0.03554; ExAC 0.03672; gnomAD exomes 0.03689 and 0.04265; ESP Exome Variant Server 0.04183.
gnomAD v4.1: 68,606 of 1,612,178 alleles (4.3%); highest among the groups gnomAD compares: Non-Finnish European, 4.6%; 1,756 homozygotes.

Submissions (7):

ARUP Laboratories, Molecular Genetics and Genomics, ARUP Laboratories
Classification: Benign. Last evaluated: 2023-11-11. Review status: criteria provided, single submitter. Criteria: ARUP Molecular Germline Variant Investigation Process 2024. Collection method: clinical testing. Allele origin: germline.

Illumina Laboratory Services, Illumina
Classification: Benign for Familial amyloid nephropathy with urticaria AND deafness. Last evaluated: 2018-01-13. Review status: criteria provided, single submitter. Criteria: ICSL Variant Classification Criteria 13 December 2019. Collection method: clinical testing. Allele origin: germline.
Comment: This variant was observed in the ICSL laboratory as part of a predisposition screen in an ostensibly healthy population. It had not been previously curated by ICSL or reported in the Human Gene Mutation Database (HGMD: prior to June 1st, 2018), and was therefore a candidate for classification through an automated scoring system. Utilizing variant allele frequency, disease prevalence and penetrance estimates, and inheritance mode, an automated score was calculated to assess if this variant is too frequent to cause the disease. Based on the score and internal cut-off values, a variant classified as benign is not then subjected to further curation. The score for this variant resulted in a classification of benign for this disease.

Illumina Laboratory Services, Illumina
Classification: Benign for Chronic infantile neurological, cutaneous and articular syndrome. Last evaluated: 2018-01-13. Review status: criteria provided, single submitter. Criteria: ICSL Variant Classification Criteria 13 December 2019. Collection method: clinical testing. Allele origin: germline.
Comment: the same text as in the submission from Illumina Laboratory Services, Illumina above.

Illumina Laboratory Services, Illumina
Classification: Benign for Familial cold autoinflammatory syndrome 1. Last evaluated: 2018-01-13. Review status: criteria provided, single submitter. Criteria: ICSL Variant Classification Criteria 13 December 2019. Collection method: clinical testing. Allele origin: germline.
Comment: the same text as in the submission from Illumina Laboratory Services, Illumina above.

Genome Diagnostics Laboratory, The Hospital for Sick Children
Classification: Benign for Autoinflammatory syndrome. Last evaluated: 2017-01-26. Review status: criteria provided, single submitter. Criteria: ACMG Guidelines, 2015. Collection method: clinical testing. Allele origin: germline. Affected: yes.

GeneDx
Classification: Benign. Last evaluated: 2015-03-03. Review status: criteria provided, single submitter. Criteria: GeneDx Variant Classification Process June 2021. Collection method: clinical testing. Allele origin: germline. Affected: yes.

Breakthrough Genomics
Classification: Benign. Review status: criteria provided, single submitter. Criteria: ACMG Guidelines, 2015. Collection method: not provided. Allele origin: germline. Inheritance: Autosomal dominant inheritance. Affected: yes.

NM_001243133.2(NLRP3):c.-40G>T

Gene: NLRP3 (NLR family pyrin domain containing 3; plus strand). Cytogenetic location: 1q44.
Variant type: single nucleotide variant.
Coding change: c.-40G>T on transcript NM_001243133.2 (MANE Select); 40 bases upstream of the start codon, G replaced by T.
Molecular consequence: 5 prime UTR variant.
Genome position (GRCh38, 1-based): chr1:247,418,761, G>T. VCF-style: chr1-247418761-G-T. GRCh37 (hg19) VCF-style: chr1-247582063-G-T.
Other names: c.-40G>T (NM_001079821.3, NM_001127461.3, NM_001127462.3 and 1 more transcripts); c.-34G>T (NM_004895.5).
Identifiers: ClinVar variation 296937 (VCV000296937.19), dbSNP rs73136263, ClinGen allele CA1494725.